The following is an entry in ClinVar:

ClinVar aggregate classification (germline): Uncertain significance. Review status: criteria provided, multiple submitters, no conflicts (2 of 4 stars). 2 submissions from 2 submitters: Uncertain significance (2). Last evaluated 2024-06-12.

Conditions:
Fanconi anemia complementation group E (FANCE). Also called: FANCE-Related Fanconi Anemia. Identifiers: Orphanet 84, MedGen C3160739, MONDO:0010953, OMIM 600901.

Submissions (2):

Fulgent Genetics
Classification: Uncertain significance for Fanconi anemia complementation group E. Last evaluated: 2024-06-12. Review status: criteria provided, single submitter. Criteria: ACMG Guidelines, 2015. Collection method: clinical testing. Allele origin: germline.

Labcorp Genetics (formerly Invitae), Labcorp
Classification: Uncertain significance for Fanconi anemia complementation group E. Last evaluated: 2024-01-20. Review status: criteria provided, single submitter. Criteria: Invitae Variant Classification Sherloc (09022015). Collection method: clinical testing. Allele origin: germline.
Comment: This variant, c.97_105dup, results in the insertion of 3 amino acid(s) of the FANCE protein (p.Leu33_Ala35dup), but otherwise preserves the integrity of the reading frame. This variant is not present in population databases (gnomAD no frequency). This variant has not been reported in the literature in individuals affected with FANCE-related conditions. In summary, the available evidence is currently insufficient to determine the role of this variant in disease. Therefore, it has been classified as a Variant of Uncertain Significance.

NM_021922.3(FANCE):c.88CTGCAGGCG[3] (p.Ala35_Gly36insLeuGlnAla)

Genes: FANCE (FA complementation group E; plus strand), LOC129996245 (ATAC-STARR-seq lymphoblastoid silent region 17092; plus strand). Cytogenetic location: 6p21.31.
Variant type: Microsatellite.
Coding change: c.88CTGCAGGCG[3] on transcript NM_021922.3 (MANE Select); three copies in a row of the 9-base unit CTGCAGGCG starting at c.88; the reference has two copies in a row; one copy, 9 bases duplicated; also written c.97_105dup.
Protein change: p.Ala35_Gly36insLeuGlnAla.
Molecular consequence: inframe insertion.
Genome position (GRCh38, 1-based): chr6:35,452,642-35,452,650, CTGCAGGCG duplicated; duplicating any 9 consecutive bases within chr6:35,452,632-35,452,650 gives the same sequence; the position shown is the placement nearest the transcript's 3' end. VCF-style (leftmost placement, unchanged base first): chr6-35452631-T-TGCTGCAGGC. GRCh37 (hg19) VCF-style: chr6-35420408-T-TGCTGCAGGC.
Other names: c.88CTGCAGGCG[3], p.Ala35_Gly36insLeuGlnAla (NM_001410876.1); c.97_105dup (NM_021922.3).
Identifiers: ClinVar variation 2725247 (VCV002725247.2), dbSNP rs780106496, ClinGen allele CA824238063.